The following is an entry in ClinVar:

NM_006662.3(SRCAP):c.8153G>A (p.Arg2718Gln)

Gene: SRCAP (Snf2 related CREBBP activator protein; plus strand). Cytogenetic location: 16p11.2.
Variant type: single nucleotide variant.
Coding change: c.8153G>A on transcript NM_006662.3 (MANE Select); coding-DNA position 8153, G replaced by A.
Protein change: p.Arg2718Gln; replaces arginine 2718 with glutamine.
Molecular consequence: missense variant.
Genome position (GRCh38, 1-based): chr16:30,738,193, G>A. VCF-style: chr16-30738193-G-A. GRCh37 (hg19) VCF-style: chr16-30749514-G-A.
Other names: short protein forms R2718Q.
Identifiers: ClinVar variation 1982755 (VCV001982755.5), dbSNP rs754326388, ClinGen allele CA8012626.
Genomic context (GRCh38, chr16:30,738,193, plus strand): 5'-TTGCAGCTCCATCCACCTCATCTTCAGCCACTTCCTCGCCTGAGGGTCCTTCACCTGCCC[G>A]ACCTCCTCGGCGTCGCACCAGTGCTGATGTGGAAATTAGGGGTCAAGGGACTGGTCGGCC-3'
Protein context (NP_006653.2, residues 2708-2728): TSSPEGPSPA[Arg2718Gln]PPRRRTSADV

ClinVar aggregate classification (germline): Uncertain significance. Review status: criteria provided, multiple submitters, no conflicts (2 of 4 stars). 2 submissions from 2 submitters: Uncertain significance (2). Last evaluated 2024-09-10.

Conditions:
Developmental delay, hypotonia, musculoskeletal defects, and behavioral abnormalities. Identifiers: MedGen C5562012, MONDO:0859202, OMIM 619595.
Floating-Harbor syndrome (FLHS). Also called: SRCAP-Related Floating-Harbor Syndrome; Short stature with delayed bone age, expressive language delay, a triangular face with a prominent nose and deep-set eyes; Pelletier-Leisti syndrome. Identifiers: Orphanet 2044, MedGen C0729582, MONDO:0007621, OMIM 136140.

Allele frequency attached by ClinVar (database versions not stated): TOPMed 0.00001; ExAC 0.00002; gnomAD 0.00002.
gnomAD v4.1: 40 of 1,614,036 alleles (0.0025%); highest among the groups gnomAD compares: East Asian, 0.011%; no homozygotes.

Submissions (2):

Labcorp Genetics (formerly Invitae), Labcorp
Classification: Uncertain significance. Last evaluated: 2024-09-10. Review status: criteria provided, single submitter. Criteria: Invitae Variant Classification Sherloc (09022015). Collection method: clinical testing. Allele origin: germline.
Comment: This sequence change replaces arginine, which is basic and polar, with glutamine, which is neutral and polar, at codon 2718 of the SRCAP protein (p.Arg2718Gln). This variant is present in population databases (rs754326388, gnomAD 0.01%). This variant has not been reported in the literature in individuals affected with SRCAP-related conditions. ClinVar contains an entry for this variant (Variation ID: 1982755). Invitae Evidence Modeling of protein sequence and biophysical properties (such as structural, functional, and spatial information, amino acid conservation, physicochemical variation, residue mobility, and thermodynamic stability) indicates that this missense variant is not expected to disrupt SRCAP protein function with a negative predictive value of 80%. In summary, the available evidence is currently insufficient to determine the role of this variant in disease. Therefore, it has been classified as a Variant of Uncertain Significance.

Fulgent Genetics
Classification: Uncertain significance for Floating-Harbor syndrome; Developmental delay, hypotonia, musculoskeletal defects, and behavioral abnormalities. Last evaluated: 2024-01-27. Review status: criteria provided, single submitter. Criteria: ACMG Guidelines, 2015. Collection method: clinical testing. Allele origin: germline.